The following is an entry in ClinVar:

ClinVar aggregate classification (germline): Likely benign (1 of 4 stars; one submission).

gnomAD v4.1: 24 of 1,614,022 alleles (0.0015%); highest among the groups gnomAD compares: East Asian, 0.016%; no homozygotes.

Submission:

CeGaT Center for Human Genetics Tuebingen
Classification: Likely benign. Last evaluated: 2025-06-01. Review status: criteria provided, single submitter. Criteria: CeGaT Center For Human Genetics Tuebingen Variant Classification Criteria Version 2. Collection method: clinical testing. Allele origin: germline. Affected: yes. Observed: 1 variant allele.
Comment: BFSP1: BP4, BP7

NM_001195.5(BFSP1):c.1698C>T (p.Asp566=)

Gene: BFSP1 (beaded filament structural protein 1; minus strand). Cytogenetic location: 20p12.1.
Variant type: single nucleotide variant.
Coding change: c.1698C>T on transcript NM_001195.5 (MANE Select); coding-DNA position 1698, C replaced by T.
Protein change: p.Asp566=; no amino-acid change (aspartic acid 566 retained).
Molecular consequence: synonymous variant.
Genome position (GRCh38, 1-based): chr20:17,494,374, G>A on the plus strand (C>T on the coding strand, the complement: BFSP1 is on the minus strand). VCF-style: chr20-17494374-G-A. GRCh37 (hg19) VCF-style: chr20-17475019-G-A.
Other names: c.1323C>T, p.Asp441= (NM_001161705.2); c.1281C>T, p.Asp427= (NM_001278606.2, NM_001278608.2); c.1365C>T, p.Asp455= (NM_001278607.2); c.1590C>T, p.Asp530= (NM_001424338.1).
Identifiers: ClinVar variation 4084829 (VCV004084829.8).